The following is an entry in ClinVar:

NC_000013.10:g.(?_24293859)_(24463459_?)del

Genes: MIPEP (mitochondrial intermediate peptidase; minus strand), PCOTH (prostate and testis expressed opposite C1QTNF9B and MIPEP; plus strand). Cytogenetic location: 13q12.12.
Variant type: Deletion.
Identifiers: ClinVar variation 2425447 (VCV002425447.3).

ClinVar aggregate classification (germline): Uncertain significance (1 of 4 stars; one submission).

Submission:

Labcorp Genetics (formerly Invitae), Labcorp
Classification: Uncertain significance. Last evaluated: 2022-01-28. Review status: criteria provided, single submitter. Criteria: Invitae Variant Classification Sherloc (09022015). Collection method: clinical testing. Allele origin: germline.
Comment: A gross deletion of the genomic region encompassing the full coding sequence of the MIPEP gene has been identified. The current clinical and genetic evidence is not sufficient to establish whether loss-of-function variants in MIPEP cause disease. The boundaries of this event are unknown as they extend beyond the assayed region for this gene and therefore may encompass additional genes. Isolated whole-gene deletions of MIPEP have not been reported in the literature. However, larger copy number events that include this gene have been reported (PMID: 27799064). In summary, the available evidence is currently insufficient to determine the role of this variant in disease. Therefore, it has been classified as a Variant of Uncertain Significance.

Literature cited by the submitters: PubMed 27799064.